The following is an entry in ClinVar:

ClinVar aggregate classification (germline): Uncertain significance. Review status: criteria provided, multiple submitters, no conflicts (2 of 4 stars). 2 submissions from 2 submitters: Uncertain significance (2). Last evaluated 2023-11-24.

Conditions:
Hereditary cancer-predisposing syndrome. Also called: Neoplastic Syndromes, Hereditary; Hereditary neoplastic syndrome; Tumor predisposition; Hereditary Cancer Syndrome. Identifiers: Orphanet 140162, MedGen C0027672, MeSH D009386, MONDO:0015356.
Haddad syndrome (OHD). Also called: Ondine-Hirschsprung disease. Identifiers: Orphanet 99803, MedGen C1859049, MONDO:0020493.

Submissions (2):

Labcorp Genetics (formerly Invitae), Labcorp
Classification: Uncertain significance for Haddad syndrome. Last evaluated: 2023-11-24. Review status: criteria provided, single submitter. Criteria: Invitae Variant Classification Sherloc (09022015). Collection method: clinical testing. Allele origin: germline.
Comment: This sequence change replaces glycine, which is neutral and non-polar, with serine, which is neutral and polar, at codon 216 of the PHOX2B protein (p.Gly216Ser). This variant is not present in population databases (gnomAD no frequency). This variant has not been reported in the literature in individuals affected with PHOX2B-related conditions. ClinVar contains an entry for this variant (Variation ID: 1394202). Advanced modeling of protein sequence and biophysical properties (such as structural, functional, and spatial information, amino acid conservation, physicochemical variation, residue mobility, and thermodynamic stability) performed at Invitae indicates that this missense variant is not expected to disrupt PHOX2B protein function with a negative predictive value of 80%. In summary, the available evidence is currently insufficient to determine the role of this variant in disease. Therefore, it has been classified as a Variant of Uncertain Significance.

Ambry Genetics
Classification: Uncertain significance for Hereditary cancer-predisposing syndrome. Last evaluated: 2021-09-24. Review status: criteria provided, single submitter. Criteria: Ambry Variant Classification Scheme 2023. Collection method: clinical testing. Allele origin: germline.
Comment: The p.G216S variant (also known as c.646G>A), located in coding exon 3 of the PHOX2B gene, results from a G to A substitution at nucleotide position 646. The glycine at codon 216 is replaced by serine, an amino acid with similar properties. This amino acid position is well conserved in available vertebrate species. In addition, this alteration is predicted to be tolerated by in silico analysis. Since supporting evidence is limited at this time, the clinical significance of this alteration remains unclear.

NM_003924.4(PHOX2B):c.646G>A (p.Gly216Ser)

Gene: PHOX2B (paired like homeobox 2B; minus strand). Cytogenetic location: 4p13.
Variant type: single nucleotide variant.
Coding change: c.646G>A on transcript NM_003924.4 (MANE Select); coding-DNA position 646, G replaced by A.
Protein change: p.Gly216Ser; replaces glycine 216 with serine.
Molecular consequence: missense variant.
Genome position (GRCh38, 1-based): chr4:41,746,106, C>T on the plus strand (G>A on the coding strand, the complement: PHOX2B is on the minus strand). VCF-style: chr4-41746106-C-T. GRCh37 (hg19) VCF-style: chr4-41748123-C-T.
Other names: short protein forms G216S.
Identifiers: ClinVar variation 1394202 (VCV001394202.10), dbSNP rs2153112789, ClinGen allele CA356737528.